The following is an entry in ClinVar:

NM_000426.4(LAMA2):c.5969-6T>C

Gene: LAMA2 (laminin subunit alpha 2; plus strand). Cytogenetic location: 6q22.33.
Variant type: single nucleotide variant.
Coding change: c.5969-6T>C on transcript NM_000426.4 (MANE Select); 6 bases into the intron before coding-DNA position 5969, T replaced by C.
Molecular consequence: intron variant.
Genome position (GRCh38, 1-based): chr6:129,438,640, T>C. VCF-style: chr6-129438640-T-C. GRCh37 (hg19) VCF-style: chr6-129759785-T-C.
Other names: c.5969-6T>C (NM_001079823.2).
Identifiers: ClinVar variation 509024 (VCV000509024.12), dbSNP rs201913996, ClinGen allele CA3994069.

ClinVar aggregate classification (germline): Likely benign. Review status: criteria provided, multiple submitters, no conflicts (2 of 4 stars). 2 submissions from 2 submitters: Likely benign (2). Last evaluated 2025-11-05.

Conditions:
LAMA2-related muscular dystrophy (LAMA2-RD). Also called: Laminin alpha 2-related dystrophy. Identifiers: MedGen C5679788, MONDO:0100228.

Allele frequency attached by ClinVar (database versions not stated): ExAC 0.00002; gnomAD exomes 0.00002 and 0.00006; TOPMed 0.00003; gnomAD 0.00005 and 0.00006.
gnomAD v4.1: 84 of 1,457,948 alleles (0.0058%); highest among the groups gnomAD compares: Non-Finnish European, 0.0073%; no homozygotes.

Submissions (2):

Labcorp Genetics (formerly Invitae), Labcorp
Classification: Likely benign for LAMA2-related muscular dystrophy. Last evaluated: 2025-11-05. Review status: criteria provided, single submitter. Criteria: Invitae Variant Classification Sherloc (09022015). Collection method: clinical testing. Allele origin: germline.

GeneDx
Classification: Likely benign. Last evaluated: 2017-04-14. Review status: criteria provided, single submitter. Criteria: GeneDx Variant Classification (06012015). Collection method: clinical testing. Allele origin: germline. Affected: yes.
Comment: This variant is considered likely benign or benign based on one or more of the following criteria: it is a conservative change, it occurs at a poorly conserved position in the protein, it is predicted to be benign by multiple in silico algorithms, and/or has population frequency not consistent with disease.